The following is an entry in ClinVar:

ClinVar aggregate classification (germline): Uncertain significance (1 of 4 stars; one submission).

Conditions:
Baller-Gerold syndrome (BGS). Also called: CRANIOSYNOSTOSIS WITH RADIAL DEFECTS. Identifiers: Orphanet 1225, MedGen C0265308, MONDO:0009039, OMIM 218600.

Allele frequency attached by ClinVar (database versions not stated): ExAC 0.00001; gnomAD exomes 0.00002; TOPMed 0.00002.
gnomAD v4.1: 8 of 1,609,876 alleles (0.0005%); highest among the groups gnomAD compares: East Asian, 0.016%; no homozygotes.

Submission:

Labcorp Genetics (formerly Invitae), Labcorp
Classification: Uncertain significance for Baller-Gerold syndrome. Last evaluated: 2025-10-20. Review status: criteria provided, single submitter. Criteria: Invitae Variant Classification Sherloc (09022015). Collection method: clinical testing. Allele origin: germline.
Comment: This sequence change falls in intron 5 of the RECQL4 gene. It does not directly change the encoded amino acid sequence of the RECQL4 protein. It affects a nucleotide within the consensus splice site. This variant is present in population databases (rs758482986, gnomAD 0.03%). This variant has not been reported in the literature in individuals affected with RECQL4-related conditions. ClinVar contains an entry for this variant (Variation ID: 459303). Variants that disrupt the consensus splice site are a relatively common cause of aberrant splicing (PMID: 17576681, 9536098). Algorithms developed to predict the effect of sequence changes on RNA splicing suggest that this variant is not likely to affect RNA splicing. In summary, the available evidence is currently insufficient to determine the role of this variant in disease. Therefore, it has been classified as a Variant of Uncertain Significance.

Literature cited by the submitters: PubMed 17576681; PubMed 9536098.

NM_004260.4(RECQL4):c.1131+5G>A

Gene: RECQL4 (RecQ like helicase 4; minus strand). Cytogenetic location: 8q24.3.
Variant type: single nucleotide variant.
Coding change: c.1131+5G>A on transcript NM_004260.4 (MANE Select); 5 bases into the intron after coding-DNA position 1131, G replaced by A.
Molecular consequence: intron variant.
Genome position (GRCh38, 1-based): chr8:144,515,983, C>T on the plus strand (G>A on the coding strand, the complement: RECQL4 is on the minus strand). VCF-style: chr8-144515983-C-T. GRCh37 (hg19) VCF-style: chr8-145741367-C-T.
Identifiers: ClinVar variation 459303 (VCV000459303.7), dbSNP rs758482986, ClinGen allele CA4949059.